The following is an entry in ClinVar:

ClinVar aggregate classification (germline): Uncertain significance (1 of 4 stars; one submission).

Allele frequency attached by ClinVar (database versions not stated): gnomAD exomes below 0.00001.
gnomAD v4.1: 2 of 1,614,220 alleles (0.00012%); highest among the groups gnomAD compares: Non-Finnish European, 0.000085%; no homozygotes.

Submission:

GeneDx
Classification: Uncertain significance. Last evaluated: 2026-01-14. Review status: criteria provided, single submitter. Criteria: GeneDx Variant Classification Process June 2021. Collection method: clinical testing. Allele origin: germline. Affected: yes.
Comment: Not observed at significant frequency in large population cohorts (gnomAD); In silico analysis suggests that this missense variant does not alter protein structure/function; Has not been previously published as pathogenic or benign to our knowledge

NM_006734.4(HIVEP2):c.292C>G (p.Leu98Val)

Gene: HIVEP2 (HIVEP zinc finger 2; minus strand). Cytogenetic location: 6q24.2.
Variant type: single nucleotide variant.
Coding change: c.292C>G on transcript NM_006734.4 (MANE Select); coding-DNA position 292, C replaced by G.
Protein change: p.Leu98Val; replaces leucine 98 with valine.
Molecular consequence: missense variant.
Genome position (GRCh38, 1-based): chr6:142,774,447, G>C on the plus strand (C>G on the coding strand, the complement: HIVEP2 is on the minus strand). VCF-style: chr6-142774447-G-C. GRCh37 (hg19) VCF-style: chr6-143095584-G-C.
Other names: short protein forms L98V.
Identifiers: ClinVar variation 1303032 (VCV001303032.3), dbSNP rs1437174052, ClinGen allele CA365916378.
Genomic context (GRCh38, chr6:142,774,447, plus strand): 5'-TCTGATGTGGCTTGGTGCTGTGCATGACCCCCTGTGGCAATGAGTGCTGAGGGAAAGAGA[G>C]TGAGTGTTGGCATGAGTAAGGACTCGGACGATGCGGTGGATATTGCTTCTCTGCGACTTG-3'
Protein context (NP_006725.3, residues 88-108): RPSPYSCQHS[Leu98Val]SFPQHSLPQG